The following is an entry in ClinVar:

NM_173728.4(ARHGEF15):c.232C>T (p.Pro78Ser)

Gene: ARHGEF15 (Rho guanine nucleotide exchange factor 15; plus strand). Cytogenetic location: 17p13.1.
Variant type: single nucleotide variant.
Coding change: c.232C>T on transcript NM_173728.4 (MANE Select); coding-DNA position 232, C replaced by T.
Protein change: p.Pro78Ser; replaces proline 78 with serine.
Molecular consequence: missense variant.
Genome position (GRCh38, 1-based): chr17:8,312,271, C>T. VCF-style: chr17-8312271-C-T. GRCh37 (hg19) VCF-style: chr17-8215589-C-T.
Other names: c.232C>T, p.Pro78Ser (NM_025014.2); short protein forms P78S.
Identifiers: ClinVar variation 577013 (VCV000577013.10), dbSNP rs1200503544, ClinGen allele CA398013849.

ClinVar aggregate classification (germline): Uncertain significance. Review status: criteria provided, multiple submitters, no conflicts (2 of 4 stars). 2 submissions from 2 submitters: Uncertain significance (2). Last evaluated 2024-05-09.

Conditions:
ARHGEF15-related disorder. Also called: ARHGEF15-related condition.
Early-infantile DEE. Also called: Early infantile epileptic encephalopathy with suppression bursts; Early infantile epileptic encephalopathy; Ohtahara syndrome. Identifiers: Orphanet 1934, MedGen C0393706, MONDO:0800491.

Allele frequency attached by ClinVar (database versions not stated): TOPMed below 0.00001; gnomAD 0.00001.

Submissions (2):

Labcorp Genetics (formerly Invitae), Labcorp
Classification: Uncertain significance for Early-infantile DEE. Last evaluated: 2024-05-09. Review status: criteria provided, single submitter. Criteria: Invitae Variant Classification Sherloc (09022015). Collection method: clinical testing. Allele origin: germline.
Comment: This sequence change replaces proline, which is neutral and non-polar, with serine, which is neutral and polar, at codon 78 of the ARHGEF15 protein (p.Pro78Ser). This variant is not present in population databases (gnomAD no frequency). This variant has not been reported in the literature in individuals affected with ARHGEF15-related conditions. ClinVar contains an entry for this variant (Variation ID: 577013). Algorithms developed to predict the effect of missense changes on protein structure and function output the following: SIFT: "Not Available"; PolyPhen-2: "Benign"; Align-GVGD: "Not Available". The serine amino acid residue is found in multiple mammalian species, which suggests that this missense change does not adversely affect protein function. In summary, the available evidence is currently insufficient to determine the role of this variant in disease. Therefore, it has been classified as a Variant of Uncertain Significance.

PreventionGenetics, part of Exact Sciences
Classification: Uncertain significance for ARHGEF15-related condition. Last evaluated: 2023-01-17. Review status: criteria provided, single submitter. Criteria: ACMG Guidelines, 2015. Collection method: clinical testing. Allele origin: germline.
Comment: The ARHGEF15 c.232C>T variant is predicted to result in the amino acid substitution p.Pro78Ser. To our knowledge, this variant has not been reported in the literature or in a large population database, indicating this variant is rare. At this time, the clinical significance of this variant is uncertain due to the absence of conclusive functional and genetic evidence.